The following is an entry in ClinVar:

NC_000005.9:g.(?_125880657)_(125930890_?)dup

Gene: ALDH7A1 (aldehyde dehydrogenase 7 family member A1; minus strand). Cytogenetic location: 5q23.2.
Variant type: Duplication.
Identifiers: ClinVar variation 3246346 (VCV003246346.1).

ClinVar aggregate classification (germline): Uncertain significance (1 of 4 stars; one submission).

Conditions:
Pyridoxine-dependent epilepsy (EPEO4). Also called: PYRIDOXINE DEPENDENCY WITH SEIZURES; Pyridoxine-Dependent Seizures; Pyridoxine-Dependent Epilepsy - ALDH7A1; EPILEPSY, EARLY-ONSET, 4, VITAMIN B6-DEPENDENT. Identifiers: Orphanet 3006, MedGen C1849508, MONDO:0009945, OMIM 266100. Disease mechanism: loss of function.

Submission:

Labcorp Genetics (formerly Invitae), Labcorp
Classification: Uncertain significance for Pyridoxine-dependent epilepsy. Last evaluated: 2023-12-22. Review status: criteria provided, single submitter. Criteria: Invitae Variant Classification Sherloc (09022015). Collection method: clinical testing. Allele origin: unknown.
Comment: A copy number gain of the genomic region encompassing the full coding sequence of the ALDH7A1 gene has been identified. The boundaries of this event are unknown as they extend beyond the assayed region for this gene and therefore may encompass additional genes. As the precise location of this event is unknown, it may be in tandem or it may be located elsewhere in the genome. This variant has not been reported in the literature in individuals affected with ALDH7A1-related conditions. In summary, the available evidence is currently insufficient to determine the role of this variant in disease. Therefore, it has been classified as a Variant of Uncertain Significance.